The following is an entry in ClinVar:

NM_001368894.2(PAX6):c.35del (p.Gly12fs)

Gene: PAX6 (paired box 6; minus strand). Cytogenetic location: 11p13.
Variant type: Deletion.
Coding change: c.35del on transcript NM_001368894.2 (MANE Select); coding-DNA position 35, one base deleted (G; older notation c.35delG).
Protein change: p.Gly12fs; shifts the reading frame from glycine 12.
Molecular consequence: frameshift variant. On other transcripts: 5 prime UTR variant (12), non-coding transcript variant (2), intron variant (2).
Genome position (GRCh38, 1-based): chr11:31,802,810, C deleted on the plus strand (G on the coding strand, the reverse complement: PAX6 is on the minus strand); the first of 2 consecutive C bases (chr11:31,802,810-31,802,811); deleting either gives the same sequence. VCF-style (leftmost placement, unchanged base first): chr11-31802809-AC-A. GRCh37 (hg19) VCF-style: chr11-31824357-AC-A.
Other names: c.-374del (NM_001368907.2, NM_001368899.2, NM_001368901.2 and 1 more transcripts); c.-416del (NM_001368908.2, NM_001368929.2, NM_001310161.3 and 2 more transcripts); c.278del, p.Gly93fs (NM_001368910.2); c.38del, p.Gly13fs (NM_001368911.2); c.35del, p.Gly12fs (NM_001368912.2, NM_001368913.2, NM_001368914.2 and 30 more transcripts); c.-267-1034del (NM_001368909.2, NM_001368904.2); c.-747del (NM_001310160.2, NM_001368905.2); c.-705del (NM_001368902.2); short protein forms G13fs, G93fs, G12fs.
Identifiers: ClinVar variation 658913 (VCV000658913.7), dbSNP rs1592564672, ClinGen allele CA915948087.

ClinVar aggregate classification (germline): Pathogenic (1 of 4 stars; one submission).

Conditions:
Aniridia 1 (AN1). Identifiers: Orphanet 250923, MedGen C0344542, MONDO:0024507, OMIM 106210.
Irido-corneo-trabecular dysgenesis (ASGD5). Also called: ANTERIOR SEGMENT DYSGENESIS 5. Identifiers: Orphanet 708, MedGen C0344559, MONDO:0011414, OMIM 604229, HP:0000659.

Submission:

Labcorp Genetics (formerly Invitae), Labcorp
Classification: Pathogenic for Aniridia 1; Irido-corneo-trabecular dysgenesis. Last evaluated: 2018-12-24. Review status: criteria provided, single submitter. Criteria: Invitae Variant Classification Sherloc (09022015). Collection method: clinical testing. Allele origin: germline.
Comment: For these reasons, this variant has been classified as Pathogenic. Loss-of-function variants in PAX6 are known to be pathogenic (PMID: 12634864). This variant has not been reported in the literature in individuals with PAX6-related conditions. This variant is not present in population databases (ExAC no frequency). This sequence change creates a premature translational stop signal (p.Gly12Valfs*19) in the PAX6 gene. It is expected to result in an absent or disrupted protein product.

Literature cited by the submitters: PubMed 12634864.